The following is an entry in ClinVar:

NM_001127511.3(APC):c.76A>G (p.Ser26Gly)

Gene: APC (APC regulator of Wnt signaling pathway; plus strand). Cytogenetic location: 5q22.2.
Variant type: single nucleotide variant.
Coding change: c.76A>G on transcript NM_001127511.3; coding-DNA position 76, A replaced by G.
Protein change: p.Ser26Gly; replaces serine 26 with glycine.
Molecular consequence: missense variant. On other transcripts: 5 prime UTR variant (8), non-coding transcript variant (1), intron variant (5).
Genome position (GRCh38, 1-based): chr5:112,707,793, A>G. VCF-style: chr5-112707793-A-G. GRCh37 (hg19) VCF-style: chr5-112043490-A-G.
Other names: c.-108A>G (NM_001354895.2, NM_001407447.1, NM_001407452.1 and 3 more transcripts); c.76A>G, p.Ser26Gly (NM_001354897.2, NM_001354902.2, NM_001407446.1); c.-1143A>G (NM_001407470.1, NM_001407472.1); c.-19+144A>G (NM_001407448.1, NM_001407450.1, NM_001407457.1 and 1 more transcripts); c.-43+144A>G (NM_001407453.1); short protein forms S26G.
Identifiers: ClinVar variation 2848991 (VCV002848991.3), dbSNP rs1750608959, ClinGen allele CA360611870.

ClinVar aggregate classification (germline): Uncertain significance (1 of 4 stars; one submission).

Conditions:
Familial adenomatous polyposis 1 (FAP1). Also called: FAMILIAL ADENOMATOUS POLYPOSIS 1, ATTENUATED; POLYPOSIS, ADENOMATOUS INTESTINAL. Identifiers: MedGen C2713442, MONDO:0021056, OMIM 175100. Disease mechanism: loss of function.

Allele frequency attached by ClinVar (database versions not stated): TOPMed below 0.00001.

Submission:

Labcorp Genetics (formerly Invitae), Labcorp
Classification: Uncertain significance for Familial adenomatous polyposis 1. Last evaluated: 2023-07-17. Review status: criteria provided, single submitter. Criteria: Invitae Variant Classification Sherloc (09022015). Collection method: clinical testing. Allele origin: germline.
Comment: This variant occurs in a non-coding region of the APC gene. It does not change the encoded amino acid sequence of the APC protein. This variant is not present in population databases (gnomAD no frequency). This variant has not been reported in the literature in individuals affected with APC-related conditions. Experimental studies and prediction algorithms are not available or were not evaluated, and the functional significance of this variant is currently unknown. In summary, the available evidence is currently insufficient to determine the role of this variant in disease. Therefore, it has been classified as a Variant of Uncertain Significance.